The following is an entry in ClinVar:

ClinVar aggregate classification (germline): Pathogenic (1 of 4 stars; one submission).

Conditions:
Dilated cardiomyopathy 1HH (CMD1HH). Identifiers: Orphanet 154, MedGen C3151293, MONDO:0013479, OMIM 613881.
Myofibrillar myopathy 6. Identifiers: Orphanet 199340, MedGen C2751831, MONDO:0013061, OMIM 612954.

Submission:

Labcorp Genetics (formerly Invitae), Labcorp
Classification: Pathogenic for Dilated cardiomyopathy 1HH; Myofibrillar myopathy 6. Last evaluated: 2023-03-13. Review status: criteria provided, single submitter. Criteria: Invitae Variant Classification Sherloc (09022015). Collection method: clinical testing. Allele origin: germline.
Comment: For these reasons, this variant has been classified as Pathogenic. ClinVar contains an entry for this variant (Variation ID: 2035886). This variant has not been reported in the literature in individuals affected with BAG3-related conditions. This variant is not present in population databases (gnomAD no frequency). This sequence change creates a premature translational stop signal (p.Val54Cysfs*157) in the BAG3 gene. It is expected to result in an absent or disrupted protein product. Loss-of-function variants in BAG3 are known to be pathogenic (PMID: 21353195, 25008357).

Literature cited by the submitters: PubMed 21353195; PubMed 25008357.

NM_004281.4(BAG3):c.160del (p.Val54fs)

Gene: BAG3 (BAG cochaperone 3; plus strand). Cytogenetic location: 10q26.11.
Variant type: Deletion.
Coding change: c.160del on transcript NM_004281.4 (MANE Select); coding-DNA position 160, one base deleted (G; older notation c.160delG).
Protein change: p.Val54fs; shifts the reading frame from valine 54.
Molecular consequence: frameshift variant.
Genome position (GRCh38, 1-based): chr10:119,651,835, G deleted. VCF-style (leftmost placement, unchanged base first): chr10-119651834-CG-C. GRCh37 (hg19) VCF-style: chr10-121411346-CG-C.
Other names: short protein forms V54fs.
Identifiers: ClinVar variation 2035886 (VCV002035886.4), dbSNP rs2493980164, ClinGen allele CA2580082465.